The following is an entry in ClinVar:

NM_001429.4(EP300):c.2461_2470del (p.Gln821fs)

Gene: EP300 (EP300 lysine acetyltransferase; plus strand). Cytogenetic location: 22q13.2.
Variant type: Deletion.
Coding change: c.2461_2470del on transcript NM_001429.4 (MANE Select); coding-DNA positions 2461 to 2470, 10 bases deleted (CAGCTTCCTC; older notation c.2461_2470delCAGCTTCCTC).
Protein change: p.Gln821fs; shifts the reading frame from glutamine 821.
Molecular consequence: frameshift variant.
Genome position (GRCh38, 1-based): chr22:41,149,842-41,149,851, CAGCTTCCTC deleted; deleting any 10 consecutive bases within chr22:41,149,841-41,149,851 gives the same sequence; the c. name uses the placement nearest the transcript's 3' end. VCF-style (leftmost placement, unchanged base first): chr22-41149840-CCCAGCTTCCT-C. GRCh37 (hg19) VCF-style: chr22-41545844-CCCAGCTTCCT-C.
Other names: c.2383_2392del, p.Gln795fs (NM_001362843.2); short protein forms Q795fs, Q821fs.
Identifiers: ClinVar variation 1705291 (VCV001705291.1), dbSNP rs2517797695, ClinGen allele CA2580099809.
Genomic context (GRCh38, chr22:41,149,840, plus strand): 5'-CCTGCCCGGTGAACTCTCCTATAATGCCTCCAGGGTCTCAGGGGAGCCACATTCACTGTC[CCCAGCTTCCT>C]CAACCAGCTCTTCATCAGAATTCACCCTCGCCTGTACCTAGTCGTACCCCCACCCCTCAC-3'

ClinVar aggregate classification (germline): Likely pathogenic (1 of 4 stars; one submission).

Conditions:
Rubinstein-Taybi syndrome due to EP300 haploinsufficiency. Also called: EP300-Related Rubinstein-Taybi Syndrome; RUBINSTEIN-TAYBI SYNDROME 2. Identifiers: Orphanet 353284, Orphanet 783, MedGen C3150941, MONDO:0013364, OMIM 613684.

Submission:

3billion
Classification: Likely pathogenic for Rubinstein-Taybi syndrome due to EP300 haploinsufficiency. Last evaluated: 2022-09-01. Review status: criteria provided, single submitter. Criteria: ACMG Guidelines, 2015. Collection method: clinical testing. Allele origin: germline. Affected: yes. Observed: 1 heterozygote.
Comment: The variant is not observed in the gnomAD v2.1.1 dataset. It is predicted to result in a loss or disruption of normal protein function through nonsense-mediated decay (NMD) or protein truncation. Multiple pathogenic variants are reported downstream of the variant. Therefore, this variant is classified as Likely pathogenic according to the recommendation of ACMG/AMP guideline.